The following is an entry in ClinVar:

ClinVar aggregate classification (germline): Uncertain significance (1 of 4 stars; one submission).

gnomAD v4.1: 7 of 1,593,234 alleles (0.00044%); highest among the groups gnomAD compares: South Asian, 0.0077%; no homozygotes.

Submission:

Labcorp Genetics (formerly Invitae), Labcorp
Classification: Uncertain significance. Last evaluated: 2025-07-13. Review status: criteria provided, single submitter. Criteria: Invitae Variant Classification Sherloc (09022015). Collection method: clinical testing. Allele origin: germline.
Comment: This sequence change replaces tyrosine, which is neutral and polar, with histidine, which is basic and polar, at codon 417 of the LOX protein (p.Tyr417His). This variant is present in population databases (rs779649796, gnomAD 0.01%). This variant has not been reported in the literature in individuals affected with LOX-related conditions. Invitae Evidence Modeling of protein sequence and biophysical properties (such as structural, functional, and spatial information, amino acid conservation, physicochemical variation, residue mobility, and thermodynamic stability) has been performed for this missense variant. However, the output from this modeling did not meet the statistical confidence thresholds required to predict the impact of this variant on LOX protein function. In summary, the available evidence is currently insufficient to determine the role of this variant in disease. Therefore, it has been classified as a Variant of Uncertain Significance.

NM_002317.7(LOX):c.1249T>C (p.Tyr417His)

Genes: LOX (lysyl oxidase; minus strand), SRFBP1 (serum response factor binding protein 1; plus strand). Cytogenetic location: 5q23.1.
Variant type: single nucleotide variant.
Coding change: c.1249T>C on transcript NM_002317.7 (MANE Select); coding-DNA position 1249, T replaced by C.
Protein change: p.Tyr417His; replaces tyrosine 417 with histidine.
Molecular consequence: missense variant.
Genome position (GRCh38, 1-based): chr5:122,066,748, A>G on the plus strand (T>C on the coding strand, the complement: LOX is on the minus strand). VCF-style: chr5-122066748-A-G. GRCh37 (hg19) VCF-style: chr5-121402443-A-G.
Other names: c.559T>C, p.Tyr187His (NM_001178102.2); c.358T>C, p.Tyr120His (NM_001317073.1); short protein forms Y120H, Y417H, Y187H.
Identifiers: ClinVar variation 4780303 (VCV004780303.1).